The following is an entry in ClinVar:

NM_002769.5(PRSS1):c.523T>A (p.Tyr175Asn)

Genes: TRB (T cell receptor beta locus; plus strand), PRSS1 (serine protease 1; plus strand). Cytogenetic location: 7q34.
Variant type: single nucleotide variant.
Coding change: c.523T>A on transcript NM_002769.5 (MANE Select); coding-DNA position 523, T replaced by A.
Protein change: p.Tyr175Asn; replaces tyrosine 175 with asparagine.
Molecular consequence: missense variant.
Genome position (GRCh38, 1-based): chr7:142,752,499, T>A. VCF-style: chr7-142752499-T-A. GRCh37 (hg19) VCF-style: chr7-142460350-T-A.
Other names: c.523T>A (NM_002769.4); short protein forms Y175N.
Identifiers: ClinVar variation 1436478 (VCV001436478.9), dbSNP rs756821075, ClinGen allele CA369610237.

ClinVar aggregate classification (germline): Uncertain significance. Review status: criteria provided, multiple submitters, no conflicts (2 of 4 stars). 2 submissions from 2 submitters: Uncertain significance (2). Last evaluated 2025-10-06.

Conditions:
Hereditary pancreatitis (PCTT). Also called: PRSS1-Related Hereditary Pancreatitis; Hereditary chronic pancreatitis. Identifiers: Orphanet 676, MedGen C0238339, MONDO:0008185, OMIM 167800.

Allele frequency attached by ClinVar (database versions not stated): gnomAD exomes below 0.00001.

Submissions (2):

Ambry Genetics
Classification: Uncertain significance for Hereditary pancreatitis. Last evaluated: 2025-10-06. Review status: criteria provided, single submitter. Criteria: Ambry Variant Classification Scheme 2023. Collection method: clinical testing. Allele origin: germline.

Labcorp Genetics (formerly Invitae), Labcorp
Classification: Uncertain significance for Hereditary pancreatitis. Last evaluated: 2025-09-15. Review status: criteria provided, single submitter. Criteria: Invitae Variant Classification Sherloc (09022015). Collection method: clinical testing. Allele origin: germline.
Comment: This sequence change replaces tyrosine, which is neutral and polar, with asparagine, which is neutral and polar, at codon 175 of the PRSS1 protein (p.Tyr175Asn). The frequency data for this variant in the population databases is considered unreliable, as metrics indicate poor data quality at this position in the gnomAD database. This variant has not been reported in the literature in individuals affected with PRSS1-related conditions. ClinVar contains an entry for this variant (Variation ID: 1436478). Invitae Evidence Modeling of protein sequence and biophysical properties (such as structural, functional, and spatial information, amino acid conservation, physicochemical variation, residue mobility, and thermodynamic stability) indicates that this missense variant is expected to disrupt PRSS1 protein function with a positive predictive value of 80%. In summary, the available evidence is currently insufficient to determine the role of this variant in disease. Therefore, it has been classified as a Variant of Uncertain Significance.